The following is an entry in ClinVar:

ClinVar aggregate classification (germline): Uncertain significance (1 of 4 stars; one submission).

Allele frequency attached by ClinVar (database versions not stated): TOPMed below 0.00001; gnomAD 0.00001.
gnomAD v4.1: 1 of 1,613,400 alleles (0.000062%); highest among the groups gnomAD compares: Non-Finnish European, 0.000085%; no homozygotes.

Submission:

Labcorp Genetics (formerly Invitae), Labcorp
Classification: Uncertain significance. Last evaluated: 2021-11-15. Review status: criteria provided, single submitter. Criteria: Invitae Variant Classification Sherloc (09022015). Collection method: clinical testing. Allele origin: germline.
Comment: This variant is not present in population databases (gnomAD no frequency). This variant has not been reported in the literature in individuals affected with COL11A1-related conditions. Advanced modeling of protein sequence and biophysical properties (such as structural, functional, and spatial information, amino acid conservation, physicochemical variation, residue mobility, and thermodynamic stability) performed at Invitae indicates that this missense variant is not expected to disrupt COL11A1 protein function. In summary, the available evidence is currently insufficient to determine the role of this variant in disease. Therefore, it has been classified as a Variant of Uncertain Significance. This sequence change replaces glycine, which is neutral and non-polar, with arginine, which is basic and polar, at codon 1632 of the COL11A1 protein (p.Gly1632Arg).

NM_001854.4(COL11A1):c.4894G>A (p.Gly1632Arg)

Gene: COL11A1 (collagen type XI alpha 1 chain; minus strand). Cytogenetic location: 1p21.1.
Variant type: single nucleotide variant.
Coding change: c.4894G>A on transcript NM_001854.4 (MANE Select); coding-DNA position 4894, G replaced by A.
Protein change: p.Gly1632Arg; replaces glycine 1632 with arginine.
Molecular consequence: missense variant. On other transcripts: non-coding transcript variant (1).
Genome position (GRCh38, 1-based): chr1:102,883,276, C>T on the plus strand (G>A on the coding strand, the complement: COL11A1 is on the minus strand). VCF-style: chr1-102883276-C-T. GRCh37 (hg19) VCF-style: chr1-103348832-C-T.
Other names: c.4777G>A, p.Gly1593Arg (NM_001190709.2); c.4930G>A, p.Gly1644Arg (NM_080629.3); c.4546G>A, p.Gly1516Arg (NM_080630.4); short protein forms G1593R, G1632R, G1516R, G1644R.
Identifiers: ClinVar variation 1425540 (VCV001425540.6), dbSNP rs1650488322, ClinGen allele CA341211606.
Genomic context (GRCh38, chr1:102,883,276, plus strand): 5'-CTGGATAAATGCAAGTCTCACCACCAGATGTGAAATTACAGTAAACTTTGAAGGAATCTC[C>T]TGAGCAACCTTGGTTAGGATCAATCCAATATTCACCTAGAAGGTAGCAAAAAATATGTCA-3'
Protein context (NP_001845.3, residues 1622-1642): YWIDPNQGCS[Gly1632Arg]DSFKVYCNFT